The following is an entry in ClinVar:

ClinVar aggregate classification (germline): Pathogenic (1 of 4 stars; one submission).

Conditions:
LAMA2-related muscular dystrophy (LAMA2-RD). Also called: Laminin alpha 2-related dystrophy. Identifiers: MedGen C5679788, MONDO:0100228.

Submission:

Myriad Genetics, Inc.
Classification: Pathogenic for LAMA2-related muscular dystrophy. Last evaluated: 2024-04-26. Review status: criteria provided, single submitter. Criteria: Myriad Autosomal Dominant, Autosomal Recessive and X-Linked Classification Criteria (2023). Collection method: clinical testing. Allele origin: unknown.
Comment: NM_000426.3(LAMA2):c.435dupC(S146Lfs*14) is expected to be pathogenic in the context of muscular dystrophy, LAMA2-related. This variant is predicted to lead to an abnormal or absent protein product due to the creation of a premature termination codon in LAMA2, a gene where loss-of-function variants are known to be pathogenic. Please note: this variant was assessed in the context of healthy population screening.

NM_000426.4(LAMA2):c.435dup (p.Ser146fs)

Gene: LAMA2 (laminin subunit alpha 2; plus strand). Cytogenetic location: 6q22.33.
Variant type: Duplication.
Coding change: c.435dup on transcript NM_000426.4 (MANE Select); coding-DNA position 435, one base duplicated (C; older notation c.435dupC).
Protein change: p.Ser146fs; shifts the reading frame from serine 146.
Molecular consequence: frameshift variant.
Genome position (GRCh38, 1-based): chr6:129,098,211, C duplicated. VCF-style (leftmost placement, unchanged base first): chr6-129098210-A-AC. GRCh37 (hg19) VCF-style: chr6-129419355-A-AC.
Other names: c.435dup, p.Ser146fs (NM_001079823.2); short protein forms S146fs.
Identifiers: ClinVar variation 5012961 (VCV005012961.1).